The following is an entry in ClinVar:

ClinVar aggregate classification (germline): Uncertain significance (1 of 4 stars; one submission).

gnomAD v4.1: 6 of 1,607,210 alleles (0.00037%); highest among the groups gnomAD compares: Non-Finnish European, 0.00042%; no homozygotes.

Submission:

Labcorp Genetics (formerly Invitae), Labcorp
Classification: Uncertain significance. Last evaluated: 2025-04-09. Review status: criteria provided, single submitter. Criteria: Invitae Variant Classification Sherloc (09022015). Collection method: clinical testing. Allele origin: germline.
Comment: This sequence change replaces proline, which is neutral and non-polar, with threonine, which is neutral and polar, at codon 494 of the COL9A2 protein (p.Pro494Thr). This variant is present in population databases (no rsID available, gnomAD 0.001%). This variant has not been reported in the literature in individuals affected with COL9A2-related conditions. ClinVar contains an entry for this variant (Variation ID: 1914110). Invitae Evidence Modeling of protein sequence and biophysical properties (such as structural, functional, and spatial information, amino acid conservation, physicochemical variation, residue mobility, and thermodynamic stability) indicates that this missense variant is not expected to disrupt COL9A2 protein function with a negative predictive value of 95%. In summary, the available evidence is currently insufficient to determine the role of this variant in disease. Therefore, it has been classified as a Variant of Uncertain Significance.

NM_001852.4(COL9A2):c.1480C>A (p.Pro494Thr)

Gene: COL9A2 (collagen type IX alpha 2 chain; minus strand). Cytogenetic location: 1p34.2.
Variant type: single nucleotide variant.
Coding change: c.1480C>A on transcript NM_001852.4 (MANE Select); coding-DNA position 1480, C replaced by A.
Protein change: p.Pro494Thr; replaces proline 494 with threonine.
Molecular consequence: missense variant.
Genome position (GRCh38, 1-based): chr1:40,303,598, G>T on the plus strand (C>A on the coding strand, the complement: COL9A2 is on the minus strand). VCF-style: chr1-40303598-G-T. GRCh37 (hg19) VCF-style: chr1-40769270-G-T.
Other names: short protein forms P494T.
Identifiers: ClinVar variation 1914110 (VCV001914110.5), dbSNP rs202143849, ClinGen allele CA21041277.